The following is an entry in ClinVar:

NM_000316.3(PTH1R):c.50C>T (p.Pro17Leu)

Gene: PTH1R (parathyroid hormone 1 receptor; plus strand). Cytogenetic location: 3p21.31.
Variant type: single nucleotide variant.
Coding change: c.50C>T on transcript NM_000316.3 (MANE Select); coding-DNA position 50, C replaced by T.
Protein change: p.Pro17Leu; replaces proline 17 with leucine.
Molecular consequence: missense variant.
Genome position (GRCh38, 1-based): chr3:46,883,609, C>T. VCF-style: chr3-46883609-C-T. GRCh37 (hg19) VCF-style: chr3-46925099-C-T.
Other names: c.50C>T (NM_000316.2); c.50C>T, p.Pro17Leu (NM_001184744.1); short protein forms P17L.
Identifiers: ClinVar variation 2987883 (VCV002987883.4), dbSNP rs1169828626, ClinGen allele CA352503028.

ClinVar aggregate classification (germline): Uncertain significance. Review status: criteria provided, multiple submitters, no conflicts (2 of 4 stars). 2 submissions from 2 submitters: Uncertain significance (2). Last evaluated 2025-05-19.

Conditions:
Inborn genetic diseases. Identifiers: MedGen C0950123, MeSH D030342.

Allele frequency attached by ClinVar (database versions not stated): TOPMed 0.00002.
gnomAD v4.1: 16 of 1,544,066 alleles (0.001%); highest among the groups gnomAD compares: Non-Finnish European, 0.0012%; no homozygotes.

Submissions (2):

Ambry Genetics
Classification: Uncertain significance for Inborn genetic diseases. Last evaluated: 2025-05-19. Review status: criteria provided, single submitter. Criteria: Ambry Variant Classification Scheme 2023. Collection method: clinical testing. Allele origin: germline.

Labcorp Genetics (formerly Invitae), Labcorp
Classification: Uncertain significance. Last evaluated: 2024-11-12. Review status: criteria provided, single submitter. Criteria: Invitae Variant Classification Sherloc (09022015). Collection method: clinical testing. Allele origin: germline.
Comment: This sequence change replaces proline, which is neutral and non-polar, with leucine, which is neutral and non-polar, at codon 17 of the PTH1R protein (p.Pro17Leu). This variant is present in population databases (no rsID available, gnomAD 0.003%). This variant has not been reported in the literature in individuals affected with PTH1R-related conditions. ClinVar contains an entry for this variant (Variation ID: 2987883). An algorithm developed to predict the effect of missense changes on protein structure and function (PolyPhen-2) suggests that this variant is likely to be tolerated. In summary, the available evidence is currently insufficient to determine the role of this variant in disease. Therefore, it has been classified as a Variant of Uncertain Significance.